The following is an entry in ClinVar:

NM_001365902.3(NFIX):c.358del (p.Leu120fs)

Gene: NFIX (nuclear factor I X; plus strand). Cytogenetic location: 19p13.13.
Variant type: Deletion.
Coding change: c.358del on transcript NM_001365902.3 (MANE Select); coding-DNA position 358, one base deleted (C; older notation c.358delC).
Protein change: p.Leu120fs; shifts the reading frame from leucine 120.
Molecular consequence: frameshift variant.
Genome position (GRCh38, 1-based): chr19:13,025,351, C deleted; the last of 2 consecutive C bases (chr19:13,025,350-13,025,351); deleting either gives the same sequence. VCF-style (leftmost placement, unchanged base first): chr19-13025349-GC-G. GRCh37 (hg19) VCF-style: chr19-13136163-GC-G.
Other names: c.382del, p.Leu128fs (NM_001271043.2); c.334del, p.Leu112fs (NM_001271044.3, NM_001378404.1); c.358del, p.Leu120fs (NM_001365982.2, NM_002501.4); c.217del, p.Leu73fs (NM_001365983.2); c.355del, p.Leu119fs (NM_001365984.2, NM_001365985.2); c.406del, p.Leu136fs (NM_001378405.1); short protein forms L112fs, L128fs, L119fs, L120fs, L73fs, L136fs.
Identifiers: ClinVar variation 540464 (VCV000540464.7), dbSNP rs1555696611, ClinGen allele CA658799166.

ClinVar aggregate classification (germline): Pathogenic (1 of 4 stars; one submission).

Conditions:
Marshall-Smith syndrome (MRSHSS). Identifiers: Orphanet 561, MedGen C0265211, MONDO:0011244, OMIM 602535.
Malan overgrowth syndrome (MALNS). Also called: Sotos syndrome 2; NFIX-Related Malan Syndrome; MALAN SYNDROME. Identifiers: Orphanet 420179, MedGen C3553660, MONDO:0013885, OMIM 614753.

Submission:

Labcorp Genetics (formerly Invitae), Labcorp
Classification: Pathogenic for Malan overgrowth syndrome; Marshall-Smith syndrome. Last evaluated: 2017-11-02. Review status: criteria provided, single submitter. Criteria: Invitae Variant Classification Sherloc (09022015). Collection method: clinical testing. Allele origin: germline.
Comment: This variant is not present in population databases (ExAC no frequency). For these reasons, this variant has been classified as Pathogenic. Loss-of-function variants in NFIX are known to be pathogenic (PMID: 20673863, 25118028). This variant has not been reported in the literature in individuals with NFIX-related disease. This sequence change creates a premature translational stop signal (p.Leu128Cysfs*15) in the NFIX gene. It is expected to result in an absent or disrupted protein product.

Literature cited by the submitters: PubMed 20673863; PubMed 25118028.